The following is an entry in ClinVar:

ClinVar aggregate classification (germline): Uncertain significance (1 of 4 stars; one submission).

Conditions:
Nephronophthisis. Also called: Juvenile Nephronophthisis. Identifiers: Orphanet 655, MedGen C0687120, MONDO:0019005, HP:0000090.

Allele frequency attached by ClinVar (database versions not stated): ExAC 0.00001; gnomAD exomes 0.00001.
gnomAD v4.1: 14 of 1,612,834 alleles (0.00087%); highest among the groups gnomAD compares: Non-Finnish European, 0.0011%; no homozygotes.

Submission:

Labcorp Genetics (formerly Invitae), Labcorp
Classification: Uncertain significance for Nephronophthisis. Last evaluated: 2022-02-03. Review status: criteria provided, single submitter. Criteria: Invitae Variant Classification Sherloc (09022015). Collection method: clinical testing. Allele origin: germline.
Comment: This sequence change replaces leucine, which is neutral and non-polar, with phenylalanine, which is neutral and non-polar, at codon 493 of the INVS protein (p.Leu493Phe). This variant is present in population databases (rs761359405, gnomAD 0.002%). This variant has not been reported in the literature in individuals affected with INVS-related conditions. Algorithms developed to predict the effect of missense changes on protein structure and function are either unavailable or do not agree on the potential impact of this missense change (SIFT: "Deleterious"; PolyPhen-2: "Probably Damaging"; Align-GVGD: "Class C0"). In summary, the available evidence is currently insufficient to determine the role of this variant in disease. Therefore, it has been classified as a Variant of Uncertain Significance.

NM_014425.5(INVS):c.1479G>C (p.Leu493Phe)

Gene: INVS (inversin; plus strand). Cytogenetic location: 9q31.1.
Variant type: single nucleotide variant.
Coding change: c.1479G>C on transcript NM_014425.5 (MANE Select); coding-DNA position 1479, G replaced by C.
Protein change: p.Leu493Phe; replaces leucine 493 with phenylalanine.
Molecular consequence: missense variant. On other transcripts: non-coding transcript variant (1).
Genome position (GRCh38, 1-based): chr9:100,264,836, G>C. VCF-style: chr9-100264836-G-C. GRCh37 (hg19) VCF-style: chr9-103027118-G-C.
Other names: c.1191G>C, p.Leu397Phe (NM_001318381.2); c.501G>C, p.Leu167Phe (NM_001318382.2); short protein forms L167F, L493F, L397F.
Identifiers: ClinVar variation 2092288 (VCV002092288.1), dbSNP rs761359405, ClinGen allele CA5158413.